The following is an entry in ClinVar:

NM_021167.5(GATAD1):c.766A>G (p.Thr256Ala)

Gene: GATAD1 (GATA zinc finger domain containing 1; plus strand). Cytogenetic location: 7q21.2.
Variant type: single nucleotide variant.
Coding change: c.766A>G on transcript NM_021167.5 (MANE Select); coding-DNA position 766, A replaced by G.
Protein change: p.Thr256Ala; replaces threonine 256 with alanine.
Molecular consequence: missense variant. On other transcripts: non-coding transcript variant (1).
Genome position (GRCh38, 1-based): chr7:92,456,518, A>G. VCF-style: chr7-92456518-A-G. GRCh37 (hg19) VCF-style: chr7-92085832-A-G.
Other names: short protein forms T256A.
Identifiers: ClinVar variation 576375 (VCV000576375.12), dbSNP rs778560008, ClinGen allele CA4340365.

ClinVar aggregate classification (germline): Uncertain significance. Review status: criteria provided, multiple submitters, no conflicts (2 of 4 stars). 3 submissions from 3 submitters: Uncertain significance (3). Last evaluated 2025-12-01.

Conditions:
Dilated cardiomyopathy 2B. Identifiers: Orphanet 154, MedGen C3553409, MONDO:0013848, OMIM 614672.
Cardiovascular phenotype. Identifiers: MedGen CN230736.

Allele frequency attached by ClinVar (database versions not stated): gnomAD exomes 0.00001 and 0.00002; ExAC 0.00002; gnomAD 0.00005 and 0.00007; TOPMed 0.00005.
gnomAD v4.1: 15 of 1,612,288 alleles (0.00093%); highest among the groups gnomAD compares: African/African-American, 0.019%; no homozygotes.

Submissions (3):

Labcorp Genetics (formerly Invitae), Labcorp
Classification: Uncertain significance for Dilated cardiomyopathy 2B. Last evaluated: 2025-12-01. Review status: criteria provided, single submitter. Criteria: Invitae Variant Classification Sherloc (09022015). Collection method: clinical testing. Allele origin: germline.
Comment: This sequence change replaces threonine, which is neutral and polar, with alanine, which is neutral and non-polar, at codon 256 of the GATAD1 protein (p.Thr256Ala). This variant is present in population databases (rs778560008, gnomAD 0.03%). This variant has not been reported in the literature in individuals affected with GATAD1-related conditions. ClinVar contains an entry for this variant (Variation ID: 576375). Invitae Evidence Modeling of protein sequence and biophysical properties (such as structural, functional, and spatial information, amino acid conservation, physicochemical variation, residue mobility, and thermodynamic stability) indicates that this missense variant is not expected to disrupt GATAD1 protein function with a negative predictive value of 80%. In summary, the available evidence is currently insufficient to determine the role of this variant in disease. Therefore, it has been classified as a Variant of Uncertain Significance.

Ambry Genetics
Classification: Uncertain significance for Cardiovascular phenotype. Last evaluated: 2025-04-20. Review status: criteria provided, single submitter. Criteria: Ambry Variant Classification Scheme 2023. Collection method: clinical testing. Allele origin: germline.

Fulgent Genetics
Classification: Uncertain significance for Dilated cardiomyopathy 2B. Last evaluated: 2021-11-04. Review status: criteria provided, single submitter. Criteria: ACMG Guidelines, 2015. Collection method: clinical testing. Allele origin: unknown.